The following is an entry in ClinVar:

NM_021098.3(CACNA1H):c.4196G>A (p.Arg1399His)

Gene: CACNA1H (calcium voltage-gated channel subunit alpha1 H; plus strand). Cytogenetic location: 16p13.3.
Variant type: single nucleotide variant.
Coding change: c.4196G>A on transcript NM_021098.3 (MANE Select); coding-DNA position 4196, G replaced by A.
Protein change: p.Arg1399His; replaces arginine 1399 with histidine.
Molecular consequence: missense variant.
Genome position (GRCh38, 1-based): chr16:1,210,944, G>A. VCF-style: chr16-1210944-G-A. GRCh37 (hg19) VCF-style: chr16-1260944-G-A.
Other names: c.4196G>A, p.Arg1399His (NM_001005407.2); short protein forms R1399H.
Identifiers: ClinVar variation 951025 (VCV000951025.9), dbSNP rs1457901172, ClinGen allele CA394178098.

ClinVar aggregate classification (germline): Uncertain significance (1 of 4 stars; one submission).

Conditions:
Idiopathic generalized epilepsy. Also called: EIG; Generalised epilepsy. Identifiers: MedGen C0270850, MONDO:0005579, OMIM 600669.
Hyperaldosteronism, familial, type IV (HALD4). Also called: FH IV; ALDOSTERONISM, PRIMARY, AND HYPERTENSION. Identifiers: Orphanet 642671, MedGen C4310756, MONDO:0014875, OMIM 617027.

Allele frequency attached by ClinVar (database versions not stated): TOPMed below 0.00001; gnomAD exomes 0.00001.
gnomAD v4.1: 7 of 1,600,196 alleles (0.00044%); highest among the groups gnomAD compares: Middle Eastern, 0.02%; no homozygotes.

Submission:

Labcorp Genetics (formerly Invitae), Labcorp
Classification: Uncertain significance for Idiopathic generalized epilepsy; Hyperaldosteronism, familial, type IV. Last evaluated: 2024-02-24. Review status: criteria provided, single submitter. Criteria: Invitae Variant Classification Sherloc (09022015). Collection method: clinical testing. Allele origin: germline.
Comment: This sequence change replaces arginine, which is basic and polar, with histidine, which is basic and polar, at codon 1399 of the CACNA1H protein (p.Arg1399His). This variant is not present in population databases (gnomAD no frequency). This variant has not been reported in the literature in individuals affected with CACNA1H-related conditions. ClinVar contains an entry for this variant (Variation ID: 951025). Advanced modeling of protein sequence and biophysical properties (such as structural, functional, and spatial information, amino acid conservation, physicochemical variation, residue mobility, and thermodynamic stability) performed at Invitae indicates that this missense variant is expected to disrupt CACNA1H protein function with a positive predictive value of 80%. In summary, the available evidence is currently insufficient to determine the role of this variant in disease. Therefore, it has been classified as a Variant of Uncertain Significance.